The following is an entry in ClinVar:

NC_000006.11:g.(?_51747238)_(51752053_?)del

Gene: PKHD1 (PKHD1 ciliary IPT domain containing fibrocystin/polyductin; minus strand). Cytogenetic location: 6p12.3.
Variant type: Deletion.
Identifiers: ClinVar variation 2427251 (VCV002427251.4).

ClinVar aggregate classification (germline): Pathogenic (1 of 4 stars; one submission).

Conditions:
Autosomal recessive polycystic kidney disease (ARPKD). Also called: AR polycystic kidney disease. Identifiers: Orphanet 731, Orphanet 8378, MedGen C0085548, MeSH D017044, MONDO:0009889.

Submission:

Labcorp Genetics (formerly Invitae), Labcorp
Classification: Pathogenic for Autosomal recessive polycystic kidney disease. Last evaluated: 2022-09-25. Review status: criteria provided, single submitter. Criteria: Invitae Variant Classification Sherloc (09022015). Collection method: clinical testing. Allele origin: germline.
Comment: This variant is a gross deletion of the genomic region encompassing exon(s) 44-46 of the PKHD1 gene. This variant would be expected to be in-frame, preserving the integrity of the reading frame. This variant has not been reported in the literature in individuals affected with PKHD1-related conditions. This variant disrupts a region of the PKHD1 protein in which other variant(s) (p.Ile2427Thr) have been determined to be pathogenic (PMID: 15698423, 27225849). This suggests that this is a clinically significant region of the protein, and that variants that disrupt it are likely to be disease-causing. For these reasons, this variant has been classified as Pathogenic.

Literature cited by the submitters: PubMed 15698423; PubMed 27225849.